The following is an entry in ClinVar:

NM_000466.3(PEX1):c.1126del (p.Glu376fs)

Gene: PEX1 (peroxisomal biogenesis factor 1; minus strand). Cytogenetic location: 7q21.2.
Variant type: Deletion.
Coding change: c.1126del on transcript NM_000466.3 (MANE Select); coding-DNA position 1126, one base deleted (G; older notation c.1126delG).
Protein change: p.Glu376fs; shifts the reading frame from glutamic acid 376.
Molecular consequence: frameshift variant.
Genome position (GRCh38, 1-based): chr7:92,517,389, C deleted on the plus strand (G on the coding strand, the reverse complement: PEX1 is on the minus strand). VCF-style (leftmost placement, unchanged base first): chr7-92517388-TC-T. GRCh37 (hg19) VCF-style: chr7-92146702-TC-T.
Other names: c.1126delG (NM_000466.2, NM_000466.3); c.1126del (NM_000466.2); c.1126del, p.Glu376fs (NM_001282677.2); c.502del, p.Glu168fs (NM_001282678.2); short protein forms E168fs, E376fs.
Identifiers: ClinVar variation 813450 (VCV000813450.15), dbSNP rs751829426, ClinGen allele CA4341487.

ClinVar aggregate classification (germline): Pathogenic/Likely pathogenic. Review status: criteria provided, multiple submitters, no conflicts (2 of 4 stars). 7 submissions from 6 submitters: Pathogenic (4); Likely pathogenic (3). Last evaluated 2026-06-20.

Conditions:
PEX1-related disorder. Also called: PEX1-related condition.
Heimler syndrome 1 (HMLR1). Also called: PEROXISOME BIOGENESIS DISORDER 1C. Identifiers: Orphanet 3220, MedGen C4551980, OMIM 234580, MONDO:0024544.
Peroxisome biogenesis disorder 1A (Zellweger) (PBD1A). Also called: Zellweger leukodystrophy; Peroxisome biogenesis disorder 1a. Identifiers: MedGen C4721541, MONDO:0008953, OMIM 214100.
Peroxisome biogenesis disorder 1B (PBD1B). Also called: Refsum disease, infantile form; Infantile Refsum disease; Infantile form of phytanic acid storage disease; PEROXISOME BIOGENESIS DISORDER (NALD/IRD); ADRENOLEUKODYSTROPHY, AUTOSOMAL NEONATAL; PEROXISOME BIOGENESIS DISORDER (NEONATAL ADRENOLEUKODYSTROPHY/INFANTILE REFSUM DISEASE). Identifiers: Orphanet 44, MedGen C0282527, MONDO:0011101, OMIM 601539.
Peroxisome biogenesis disorder. Identifiers: Orphanet 79189, MedGen C1832200, MONDO:0019234. Disease mechanism: loss of function.
Zellweger spectrum disorders (ZS). Also called: Zellweger Spectrum Disorder (ZSD); Zellweger syndrome; Zellweger Spectrum Disorder; Zellweger Spectrum. Identifiers: Orphanet 912, MedGen C0043459, MONDO:0019609.

Allele frequency attached by ClinVar (database versions not stated): gnomAD exomes below 0.00001 and 0.00001; ExAC 0.00001; TOPMed 0.00002.

Submissions (7):

PreventionGenetics, part of Exact Sciences
Classification: Pathogenic for PEX1-related condition. Last evaluated: 2026-06-20. Review status: criteria provided, single submitter. Criteria: ACMG Guidelines, 2015. Collection method: clinical testing. Allele origin: germline.
Comment: The PEX1 c.1126delG variant is predicted to result in a frameshift and premature protein termination (p.Glu376Lysfs*11). To our knowledge, this variant has not been reported in the literature. This variant is reported in 0.0087% of alleles in individuals of Latino descent in gnomAD. Frameshift variants in PEX1 are expected to be pathogenic, and this variant has been classified as pathogenic by multiple independent submitters to the ClinVar database (ID: 813450). Given the evidence, we interpret c.1126del (p.Glu376Lysfs*11) as pathogenic.

GeneDx
Classification: Likely pathogenic. Last evaluated: 2026-03-13. Review status: criteria provided, single submitter. Criteria: GeneDx Variant Classification Process June 2021. Collection method: clinical testing. Allele origin: germline.
Comment: Frameshift variant predicted to result in protein truncation or nonsense mediated decay in a gene for which loss of function is a known mechanism of disease; Not observed at significant frequency in large population cohorts (gnomAD); Has not been previously published as pathogenic or benign to our knowledge; This variant is associated with the following publications: (PMID: 31964843)

Labcorp Genetics (formerly Invitae), Labcorp
Classification: Pathogenic for Zellweger spectrum disorders. Last evaluated: 2025-09-24. Review status: criteria provided, single submitter. Criteria: Invitae Variant Classification Sherloc (09022015). Collection method: clinical testing. Allele origin: germline.
Comment: This sequence change creates a premature translational stop signal (p.Glu376Lysfs*11) in the PEX1 gene. It is expected to result in an absent or disrupted protein product. Loss-of-function variants in PEX1 are known to be pathogenic (PMID: 21031596, 26387595, 31831025). This variant is present in population databases (rs751829426, gnomAD 0.009%). This variant has not been reported in the literature in individuals affected with PEX1-related conditions. ClinVar contains an entry for this variant (Variation ID: 813450). Algorithms developed to predict the effect of sequence changes on RNA splicing suggest that this variant may disrupt the consensus splice site. For these reasons, this variant has been classified as Pathogenic.

Natera, Inc.
Classification: Likely pathogenic for Zellweger syndrome. Last evaluated: 2024-11-15. Review status: criteria provided, single submitter. Criteria: Natera Variant Classification Schema (03/2026). Collection method: clinical testing. Allele origin: germline.
Comment: The c.1126delG variant in PEX1 is a frameshift variant predicted to shift the reading frame beginning at codon 376 and leads to a stop codon 11 codons downstream. This variant is expected to result in nonsense mediated decay, truncation, or a dysfunctional protein product. This variant is rare in the general population with a frequency below the threshold expected for the associated phenotype(s). Given the available evidence, this variant is classified as Likely Pathogenic.

Women's Health and Genetics/Laboratory Corporation of America, LabCorp
Classification: Pathogenic for Peroxisome biogenesis disorder. Last evaluated: 2024-09-10. Review status: criteria provided, single submitter. Criteria: LabCorp Variant Classification Summary - May 2015. Collection method: clinical testing. Allele origin: germline.
Comment: Variant summary: PEX1 c.1126delG (p.Glu376LysfsX11) results in a premature termination codon, predicted to cause a truncation of the encoded protein or absence of the protein due to nonsense mediated decay, which are commonly known mechanisms for disease. The variant allele was found at a frequency of 1.2e-05 in 251396 control chromosomes. To our knowledge, no occurrence of c.1126delG in individuals affected with Zellweger Syndrome and no experimental evidence demonstrating its impact on protein function have been reported. ClinVar contains an entry for this variant (Variation ID: 813450). Based on the evidence outlined above, the variant was classified as pathogenic.

Baylor Genetics
Classification: Likely pathogenic for Heimler syndrome 1. Last evaluated: 2024-01-10. Review status: criteria provided, single submitter. Criteria: ACMG Guidelines, 2015. Collection method: clinical testing. Allele origin: unknown.

Baylor Genetics
Classification: Pathogenic for Peroxisome biogenesis disorder 1A (Zellweger); Peroxisome biogenesis disorder 1B. Review status: criteria provided, single submitter. Criteria: ACMG Guidelines, 2015. Collection method: clinical testing. Allele origin: germline.

Literature cited by the submitters: PubMed 21031596 (cited by Labcorp Genetics (formerly Invitae), Labcorp); PubMed 26387595 (cited by Labcorp Genetics (formerly Invitae), Labcorp); PubMed 31831025 (cited by Labcorp Genetics (formerly Invitae), Labcorp).